The following is an entry in ClinVar:

NC_000018.9:g.(?_3100137)_(3100221_?)del

Gene: MYOM1 (myomesin 1; minus strand). Cytogenetic location: 18p11.31.
Variant type: Deletion.
Identifiers: ClinVar variation 1410861 (VCV001410861.4).

ClinVar aggregate classification (germline): Uncertain significance (1 of 4 stars; one submission).

Conditions:
Hypertrophic cardiomyopathy. Also called: HYPERTROPHIC MYOCARDIOPATHY. Identifiers: Orphanet 217569, MedGen C0007194, MeSH D002312, MONDO:0005045, HP:0001639.

Submission:

Labcorp Genetics (formerly Invitae), Labcorp
Classification: Uncertain significance for Hypertrophic cardiomyopathy. Last evaluated: 2021-09-04. Review status: criteria provided, single submitter. Criteria: Invitae Variant Classification Sherloc (09022015). Collection method: clinical testing. Allele origin: germline.
Comment: In summary, the available evidence is currently insufficient to determine the role of this variant in disease. Therefore, it has been classified as a Variant of Uncertain Significance. Experimental studies and prediction algorithms are not available or were not evaluated, and the functional significance of this variant is currently unknown. This variant has not been reported in the literature in individuals affected with MYOM1-related conditions. This variant is a gross deletion of the genomic region encompassing exon(s) 25 of the MYOM1 gene. This variant would be expected to be in-frame, preserving the integrity of the reading frame.